The following is an entry in ClinVar:

NM_000255.4(MMUT):c.1286A>G (p.Tyr429Cys)

Gene: MMUT (methylmalonyl-CoA mutase; minus strand). Cytogenetic location: 6p12.3.
Variant type: single nucleotide variant.
Coding change: c.1286A>G on transcript NM_000255.4 (MANE Select); coding-DNA position 1286, A replaced by G.
Protein change: p.Tyr429Cys; replaces tyrosine 429 with cysteine.
Molecular consequence: missense variant.
Genome position (GRCh38, 1-based): chr6:49,451,512, T>C on the plus strand (A>G on the coding strand, the complement: MMUT is on the minus strand). VCF-style: chr6-49451512-T-C. GRCh37 (hg19) VCF-style: chr6-49419225-T-C.
Other names: short protein forms Y429C.
Identifiers: ClinVar variation 1197698 (VCV001197698.16), dbSNP rs201741770, ClinGen allele CA3846926.

ClinVar aggregate classification (germline): Conflicting classifications of pathogenicity. Review status: criteria provided, conflicting classifications (1 of 4 stars). 10 submissions from 10 submitters: Likely pathogenic (8); Uncertain significance (1). 1 of the submissions does not count toward it. Last evaluated 2026-01-28.

Conditions:
Methylmalonic aciduria due to complete methylmalonyl-CoA mutase deficiency.
Methylmalonic aciduria due to methylmalonyl-CoA mutase deficiency (MAMM). Also called: Methylmalonic aciduria, mut type. Identifiers: Orphanet 27, MedGen C1855114, MONDO:0009612, OMIM 251000.

Allele frequency attached by ClinVar (database versions not stated): gnomAD exomes 0.00015 and 0.00007; 1000 Genomes Project 30x 0.00047; 1000 Genomes Project 0.00060; gnomAD 0.00005 and 0.00011; TOPMed 0.00012; ExAC 0.00015.
gnomAD v4.1: 126 of 1,614,116 alleles (0.0078%); highest among the groups gnomAD compares: East Asian, 0.12%; no homozygotes.

Submissions (10):

Labcorp Genetics (formerly Invitae), Labcorp
Classification: Likely pathogenic. Last evaluated: 2026-01-28. Review status: criteria provided, single submitter. Criteria: Invitae Variant Classification Sherloc (09022015). Collection method: clinical testing. Allele origin: germline.
Comment: This sequence change replaces tyrosine, which is neutral and polar, with cysteine, which is neutral and slightly polar, at codon 429 of the MUT protein (p.Tyr429Cys). This variant is present in population databases (rs201741770, gnomAD 0.1%). This missense change has been observed in individual(s) with methylmalonic aciduria (PMID: 33413471, 37316190, 38128819, 39075538). ClinVar contains an entry for this variant (Variation ID: 1197698). Invitae Evidence Modeling of protein sequence and biophysical properties (such as structural, functional, and spatial information, amino acid conservation, physicochemical variation, residue mobility, and thermodynamic stability) indicates that this missense variant is expected to disrupt MUT protein function with a positive predictive value of 95%. In summary, the currently available evidence indicates that the variant is pathogenic, but additional data are needed to prove that conclusively. Therefore, this variant has been classified as Likely Pathogenic.

Natera, Inc.
Classification: Likely pathogenic for Methylmalonic aciduria due to complete methylmalonyl-CoA mutase deficiency. Last evaluated: 2025-11-07. Review status: criteria provided, single submitter. Criteria: Natera Variant Classification Schema (03/2026). Collection method: clinical testing. Allele origin: germline.
Comment: The c.1286A>G variant in MMUT is a missense variant predicted to cause substitution of tyrosine to cysteine at amino acid 429. This variant is rare in the general population with a frequency below the threshold expected for the associated phenotype(s). This variant has been observed in one or more individuals affected with the associated recessive disease, as either homozygous or compound heterozygous with a second variant (PMID: 33413471, 37316190). Computational prediction algorithms indicate this variant is likely to affect gene or protein function. Given the available evidence, this variant is classified as Likely Pathogenic.

3billion
Classification: Likely pathogenic for Methylmalonic aciduria due to methylmalonyl-CoA mutase deficiency. Last evaluated: 2025-08-27. Review status: criteria provided, single submitter. Criteria: ACMG Guidelines, 2015. Collection method: clinical testing. Allele origin: germline. Affected: yes.
Comment: The variant is observed at an extremely low frequency in the gnomAD v4.1.0 dataset (total allele frequency: 0.008%). Predicted Consequence/Location: Missense variant In silico tool predictions suggest damaging effect of the variant on gene or gene product [REVEL: 0.85 (>=0.6, sensitivity 0.68 and specificity 0.92); 3Cnet: 0.79 (> 0.75, sensitivity 0.96 and precision 0.92)]. The same nucleotide change resulting in the same amino acid change has been previously reported as pathogenic/likely pathogenic with strong evidence (ClinVar ID: VCV001197698 /PMID: 33413471). Therefore, this variant is classified as Likely pathogenic according to the recommendation of ACMG/AMP guideline.

First Genomix Gene Laboratory, Genetic Diagnostics Department
Classification: Likely pathogenic for Methylmalonic aciduria due to methylmalonyl-CoA mutase deficiency. Last evaluated: 2025-08-04. Review status: criteria provided, single submitter. Criteria: ACMG Guidelines, 2015. Collection method: clinical testing. Allele origin: germline. Inheritance: Autosomal recessive inheritance. Affected: no. Observed: 1 variant allele.

Myriad Genetics, Inc.
Classification: Likely pathogenic for Methylmalonic aciduria due to methylmalonyl-CoA mutase deficiency. Last evaluated: 2025-06-16. Review status: criteria provided, single submitter. Criteria: Myriad Autosomal Dominant, Autosomal Recessive and X-Linked Classification Criteria (2023). Collection method: clinical testing. Allele origin: unknown.
Comment: NM_000255.3(MMUT):c.1286A>G(Y429C) is a missense variant classified as likely pathogenic in the context of methylmalonic acidemia, MMUT-related. Y429C has been observed in cases with relevant disease (PMID: 34668645, 38128819, Mu_2022_(article), Deng_2020_(article)). Relevant functional assessments of this variant are not available in the literature. Internal structural analysis of the variant is supportive of pathogenicity. Y429C has been observed in referenced population frequency databases. In summary, NM_000255.3(MMUT):c.1286A>G(Y429C) is a missense variant that has internal structural support for pathogenicity and has been observed more frequently in cases with the relevant disease than in healthy populations. Please note: this variant was assessed in the context of healthy population screening.

Blueprint Genetics
Classification: Uncertain significance. Last evaluated: 2024-11-13. Review status: criteria provided, single submitter. Criteria: ACMG Guidelines, 2015. Collection method: clinical testing. Allele origin: germline.

Department of Pathology and Laboratory Medicine, Sinai Health System
Classification: Likely pathogenic for Methylmalonic aciduria due to methylmalonyl-CoA mutase deficiency. Last evaluated: 2023-05-14. Review status: criteria provided, single submitter. Criteria: ACMG Guidelines, 2015. Collection method: research. Allele origin: germline.

GeneDx
Classification: Likely pathogenic. Last evaluated: 2020-06-05. Review status: criteria provided, single submitter. Criteria: GeneDx Variant Classification Process June 2021. Collection method: clinical testing. Allele origin: germline. Affected: yes.
Comment: Not observed at a significant frequency in large population cohorts (Lek et al., 2016); In silico analysis supports that this missense variant has a deleterious effect on protein structure/function; Missense variants in this gene are often considered pathogenic (Stenson et al., 2014); Has not been previously published as pathogenic or benign to our knowledge

Juno Genomics, Hangzhou Juno Genomics, Inc
Classification: Likely pathogenic for Methylmalonic aciduria due to methylmalonyl-CoA mutase deficiency. Review status: criteria provided, single submitter. Criteria: ACMG Guidelines, 2015. Collection method: clinical testing. Allele origin: germline.
Comment: Multiple lines of computational evidence support a deleterious effect on the gene or gene product.;For recessive disorders, detected in trans with a pathogenic variant.;Patient's phenotype or family history is highly specific for a disease with a single genetic etiology.

Medical Laboratory Center, Huzhou Maternal and Child Health Hospital
Classification: Likely pathogenic for Methylmalonic aciduria due to methylmalonyl-CoA mutase deficiency. Review status: no assertion criteria provided. Collection method: research. Allele origin: germline. Not counted in ClinVar's aggregate classification.

Literature cited by the submitters: PubMed 33413471 (cited by 3 submitters); PubMed 37316190 (cited by Labcorp Genetics (formerly Invitae), Labcorp and Natera, Inc.); PubMed 38128819 (cited by Labcorp Genetics (formerly Invitae), Labcorp); PubMed 39075538 (cited by Labcorp Genetics (formerly Invitae), Labcorp).